The following is an entry in ClinVar:

NM_001136193.2(FASTKD2):c.1072C>T (p.Arg358Ter)

Gene: FASTKD2 (FASTK mitochondrial RNA regulator 2; plus strand). Cytogenetic location: 2q33.3.
Variant type: single nucleotide variant.
Coding change: c.1072C>T on transcript NM_001136193.2 (MANE Select); coding-DNA position 1072, C replaced by T.
Protein change: p.Arg358Ter; replaces arginine 358 with a stop codon.
Molecular consequence: nonsense.
Genome position (GRCh38, 1-based): chr2:206,771,975, C>T. VCF-style: chr2-206771975-C-T. GRCh37 (hg19) VCF-style: chr2-207636699-C-T.
Other names: c.1072C>T, p.Arg358Ter (NM_001136194.2, NM_014929.4); c.1072C>T (NM_001136193.1); short protein forms R358*.
Identifiers: ClinVar variation 1683543 (VCV001683543.9), dbSNP rs994917847, ClinGen allele CA63715013.
Genomic context (GRCh38, chr2:206,771,975, plus strand): 5'-GACAGATTTTCTGTTTTGAATAGCCAACACATGTTTGAAGTACTAGCTGCCATGAATCAC[C>T]GATCTCTTATACTCCTGGATGAATGCAGTAAGGTGGTCCTAGGTAAGAGGAATTTTTCTT-3'

ClinVar aggregate classification (germline): Pathogenic/Likely pathogenic. Review status: criteria provided, multiple submitters, no conflicts (2 of 4 stars). 4 submissions from 4 submitters: Pathogenic (2); Likely pathogenic (2). Last evaluated 2024-10-09.

Conditions:
FASTKD2-related disorders.
Combined oxidative phosphorylation deficiency 44. Also called: FASTKD2-Related Combined Oxidative Phosphorylation Deficiency. Identifiers: MedGen C5394293, MONDO:0030020, OMIM 618855.

Allele frequency attached by ClinVar (database versions not stated): gnomAD 0.00001; gnomAD exomes 0.00001; TOPMed 0.00001.
gnomAD v4.1: 8 of 1,613,210 alleles (0.0005%); highest among the groups gnomAD compares: South Asian, 0.0022%; no homozygotes.

Submissions (4):

Victorian Clinical Genetics Services, Murdoch Childrens Research Institute
Classification: Pathogenic for Combined oxidative phosphorylation deficiency 44. Last evaluated: 2024-10-09. Review status: criteria provided, single submitter. Criteria: ACMG Guidelines, 2015. Collection method: clinical testing. Allele origin: germline. Inheritance: Autosomal recessive inheritance. Affected: yes.
Comment: Based on the classification scheme VCGS_Germline_v1.3.4, this variant is classified as Pathogenic. Following criteria are met: 0102 - Loss of function is a known mechanism of disease in this gene and is associated with combined oxidative phosphorylation deficiency 44 (MIM#618855). (I) 0106 - This gene is associated with autosomal recessive disease. (I) 0115 - Variants in this gene are known to have variable expressivity. Phenotypic and age of onset variation has been observed (PMID: 36712458). (I) 0201 - Variant is predicted to cause nonsense-mediated decay (NMD) and loss of protein (premature termination codon is located at least 54 nucleotides upstream of the final exon-exon junction). (SP) 0252 - This variant is homozygous. (I) 0304 - Variant is present in gnomAD (v2) <0.01 for a recessive condition (1 heterozygote, 0 homozygotes). (SP) 0701 - Other NMD-predicted variants comparable to the one identified in this case have very strong previous evidence for pathogenicity (DECIPHER). (SP) 0802 - This variant has moderate previous evidence of pathogenicity in unrelated individuals. This variant has been classified as likely pathogenic and pathogenic by clinical laboratories in ClinVar. This variant has also been observed in a homozygous individual with clinical features including focal epilepsy, mild myopathy and optic atrophy (PMID: 36712458). (I) Legend: (SP) - Supporting pathogenic, (I) - Information, (SB) - Supporting benign

Blueprint Genetics
Classification: Likely pathogenic for FASTKD2-related disorders. Last evaluated: 2024-08-13. Review status: criteria provided, single submitter. Criteria: ACMG Guidelines, 2015. Collection method: clinical testing. Allele origin: germline. Affected: yes. Observed: 2 variant alleles.

Labcorp Genetics (formerly Invitae), Labcorp
Classification: Pathogenic. Last evaluated: 2022-07-25. Review status: criteria provided, single submitter. Criteria: Invitae Variant Classification Sherloc (09022015). Collection method: clinical testing. Allele origin: germline.
Comment: For these reasons, this variant has been classified as Pathogenic. ClinVar contains an entry for this variant (Variation ID: 1683543). This variant has not been reported in the literature in individuals affected with FASTKD2-related conditions. This variant is present in population databases (no rsID available, gnomAD 0.007%). This sequence change creates a premature translational stop signal (p.Arg358*) in the FASTKD2 gene. It is expected to result in an absent or disrupted protein product. Loss-of-function variants in FASTKD2 are known to be pathogenic (PMID: 18771761).

Laboratorio de Genetica e Diagnostico Molecular, Hospital Israelita Albert Einstein
Classification: Likely pathogenic for Combined oxidative phosphorylation deficiency 44. Last evaluated: 2021-11-27. Review status: criteria provided, single submitter. Criteria: ACMG Guidelines, 2015. Collection method: clinical testing. Allele origin: germline. Affected: yes.
Comment: ACMG classification criteria: PVS1 very strong, PM2 moderate

Literature cited by the submitters: PubMed 36712458 (cited by Victorian Clinical Genetics Services, Murdoch Childrens Research Institute); PubMed 18771761 (cited by Labcorp Genetics (formerly Invitae), Labcorp).